The following is an entry in ClinVar:

NM_001394062.1(MACF1):c.7932G>C (p.Gln2644His)

Gene: MACF1 (microtubule actin crosslinking factor 1; plus strand). Cytogenetic location: 1p34.3.
Variant type: single nucleotide variant.
Coding change: c.7932G>C on transcript NM_001394062.1 (MANE Select); coding-DNA position 7932, G replaced by C.
Protein change: p.Gln2644His; replaces glutamine 2644 with histidine.
Molecular consequence: missense variant. On other transcripts: intron variant (1).
Genome position (GRCh38, 1-based): chr1:39,334,520, G>C. VCF-style: chr1-39334520-G-C. GRCh37 (hg19) VCF-style: chr1-39800192-G-C.
Other names: c.4629+7167G>C (NM_012090.5); short protein forms Q2644H.
Identifiers: ClinVar variation 3239382 (VCV003239382.19), dbSNP rs778043261.
Genomic context (GRCh38, chr1:39,334,520, plus strand): 5'-CAGAATTGTCCCCTACTCAGAATTAGTCAAGAAATGTAAGATTGATATTGAATCTGGACA[G>C]AGATATCTAGAAGTAATTCCCTTCTCAGACATTAAAGATGGGGTGAGCGACAAAGTGCTT-3'
Protein context (NP_001380991.1, residues 2634-2654): KKCKIDIESG[Gln2644His]RYLEVIPFSD

ClinVar aggregate classification (germline): Likely benign (1 of 4 stars; one submission).

Allele frequency attached by ClinVar (database versions not stated): gnomAD exomes 0.00001; TOPMed 0.00001; ExAC 0.00004.
gnomAD v4.1: 7 of 1,614,128 alleles (0.00043%); highest among the groups gnomAD compares: Non-Finnish European, 0.00059%; no homozygotes.

Submission:

CeGaT Center for Human Genetics Tuebingen
Classification: Likely benign. Last evaluated: 2025-04-01. Review status: criteria provided, single submitter. Criteria: CeGaT Center For Human Genetics Tuebingen Variant Classification Criteria Version 2. Collection method: clinical testing. Allele origin: germline. Affected: yes. Observed: 1 variant allele.
Comment: MACF1: BP4, BS2